The following is an entry in ClinVar:

ClinVar aggregate classification (germline): Likely pathogenic (1 of 4 stars; one submission).

Conditions:
Citrullinemia type I (CTNL1). Also called: ASS DEFICIENCY; argininosuccinate synthetase deficiency. Identifiers: Orphanet 247525, MedGen C4721769, MONDO:0008988, OMIM 215700.

Submission:

Diagnostics Services (NGS), CSIR - Centre For Cellular And Molecular Biology
Classification: Likely pathogenic for Citrullinemia type I. Last evaluated: 2022-06-14. Review status: criteria provided, single submitter. Criteria: ACMG Guidelines, 2015. Collection method: clinical testing. Allele origin: germline. Affected: no. Observed: 2 variant alleles, 2 heterozygotes.
Comment: The c.66del variant was identified as a part of carrier screening in a couple. This variant is not present in publicly available population databases like 1000 Genomes, EVS, gnomAD and Indian Exome Database. The variant is not present in our in-house exome database. The variant was not previously reported to ClinVar, HGMD and OMIM databases, in any affected individuals. In-silico pathogenicity prediction programs like MutationTaster2, CADD, Varsome etc. predicted this variant to be likely deleterious. The variant causes frameshift at 23rd amino acid position of the wild-type transcript that creates a premature stop codon at the 24th amino acid position of the altered transcript that either causes nonsense medicated decay of the mRNA or results in creating a truncated protein.

NM_054012.4(ASS1):c.66del (p.Trp23fs)

Gene: ASS1 (argininosuccinate synthase 1; plus strand). Cytogenetic location: 9q34.11.
Variant type: Deletion.
Coding change: c.66del on transcript NM_054012.4 (MANE Select); coding-DNA position 66, one base deleted (G; older notation c.66delG).
Protein change: p.Trp23fs; shifts the reading frame from tryptophan 23.
Molecular consequence: frameshift variant.
Genome position (GRCh38, 1-based): chr9:130,452,294, G deleted. VCF-style (leftmost placement, unchanged base first): chr9-130452293-TG-T. GRCh37 (hg19) VCF-style: chr9-133327680-TG-T.
Other names: c.66del, p.Trp23fs (NM_000050.4); short protein forms W23fs.
Identifiers: ClinVar variation 1802213 (VCV001802213.3), dbSNP rs2490515301, ClinGen allele CA2580079790.